The following is an entry in ClinVar:

NM_000553.6(WRN):c.3983-3C>T

Gene: WRN (WRN RecQ like helicase; plus strand). Cytogenetic location: 8p12.
Variant type: single nucleotide variant.
Coding change: c.3983-3C>T on transcript NM_000553.6 (MANE Select); 3 bases into the intron before coding-DNA position 3983, C replaced by T.
Molecular consequence: intron variant.
Genome position (GRCh38, 1-based): chr8:31,167,019, C>T. VCF-style: chr8-31167019-C-T. GRCh37 (hg19) VCF-style: chr8-31024535-C-T.
Identifiers: ClinVar variation 1046027 (VCV001046027.6), dbSNP rs1409057375, ClinGen allele CA850750968.

ClinVar aggregate classification (germline): Uncertain significance. Review status: criteria provided, multiple submitters, no conflicts (2 of 4 stars). 2 submissions from 2 submitters: Uncertain significance (2). Last evaluated 2025-12-01.

Conditions:
Werner syndrome (WRN). Identifiers: Orphanet 902, MedGen C0043119, MONDO:0010196, OMIM 277700.

Allele frequency attached by ClinVar (database versions not stated): TOPMed 0.00001; gnomAD 0.00001; gnomAD exomes below 0.00001.
gnomAD v4.1: 3 of 1,611,076 alleles (0.00019%); highest among the groups gnomAD compares: Admixed American, 0.0017%; no homozygotes.

Submissions (2):

Dasa
Classification: Uncertain significance for Werner syndrome. Last evaluated: 2025-12-01. Review status: criteria provided, single submitter. Criteria: DASA Assertion Criteria. Collection method: clinical testing. Allele origin: germline.
Comment: NM_000553.6(WRN):c.3983-3C>T is a splice-region variant. This variant is rare in population databases. The currently available literature and clinical evidence are not sufficient to establish a definitive association between this variant and the reported condition. Therefore, this variant is classified as a variant of uncertain significance.

Labcorp Genetics (formerly Invitae), Labcorp
Classification: Uncertain significance for Werner syndrome. Last evaluated: 2025-05-19. Review status: criteria provided, single submitter. Criteria: Invitae Variant Classification Sherloc (09022015). Collection method: clinical testing. Allele origin: germline.
Comment: This sequence change falls in intron 33 of the WRN gene. It does not directly change the encoded amino acid sequence of the WRN protein. It affects a nucleotide within the consensus splice site. This variant is not present in population databases (gnomAD no frequency). This variant has not been reported in the literature in individuals affected with WRN-related conditions. ClinVar contains an entry for this variant (Variation ID: 1046027). Variants that disrupt the consensus splice site are a relatively common cause of aberrant splicing (PMID: 17576681, 9536098). Studies have shown that this variant is associated with inconclusive levels of altered splicing (internal data). In summary, the available evidence is currently insufficient to determine the role of this variant in disease. Therefore, it has been classified as a Variant of Uncertain Significance.

Literature cited by the submitters: PubMed 17576681 (cited by Labcorp Genetics (formerly Invitae), Labcorp); PubMed 9536098 (cited by Labcorp Genetics (formerly Invitae), Labcorp).